The following is an entry in ClinVar:

ClinVar aggregate classification (germline): Uncertain significance. Review status: criteria provided, multiple submitters, no conflicts (2 of 4 stars). 2 submissions from 2 submitters: Uncertain significance (2). Last evaluated 2025-07-08.

Conditions:
Inborn genetic diseases. Identifiers: MedGen C0950123, MeSH D030342.

gnomAD v4.1: 2 of 1,613,788 alleles (0.00012%); highest among the groups gnomAD compares: Non-Finnish European, 0.00017%; no homozygotes.

Submissions (2):

Labcorp Genetics (formerly Invitae), Labcorp
Classification: Uncertain significance. Last evaluated: 2025-07-08. Review status: criteria provided, single submitter. Criteria: Invitae Variant Classification Sherloc (09022015). Collection method: clinical testing. Allele origin: germline.
Comment: This sequence change replaces serine, which is neutral and polar, with asparagine, which is neutral and polar, at codon 858 of the MECOM protein (p.Ser858Asn). This variant is present in population databases (rs144928407, gnomAD 0.0009%). This variant has not been reported in the literature in individuals affected with MECOM-related conditions. An algorithm developed to predict the effect of missense changes on protein structure and function outputs the following: PolyPhen-2: "Benign". The asparagine amino acid residue is found in multiple mammalian species, which suggests that this missense change does not adversely affect protein function. In summary, the available evidence is currently insufficient to determine the role of this variant in disease. Therefore, it has been classified as a Variant of Uncertain Significance.

Ambry Genetics
Classification: Uncertain significance for Inborn genetic diseases. Last evaluated: 2025-04-10. Review status: criteria provided, single submitter. Criteria: Ambry Variant Classification Scheme 2023. Collection method: clinical testing. Allele origin: germline.
Comment: The p.S1046N variant (also known as c.3137G>A), located in coding exon 14 of the MECOM gene, results from a G to A substitution at nucleotide position 3137. The serine at codon 1046 is replaced by asparagine, an amino acid with highly similar properties. This amino acid position is conserved. In addition, this alteration is predicted to be tolerated by in silico analysis. Based on the available evidence, the clinical significance of this variant remains unclear.

NM_004991.4(MECOM):c.3137G>A (p.Ser1046Asn)

Gene: MECOM (MDS1 and EVI1 complex locus; minus strand). Cytogenetic location: 3q26.2.
Variant type: single nucleotide variant.
Coding change: c.3137G>A on transcript NM_004991.4 (MANE Select); coding-DNA position 3137, G replaced by A.
Protein change: p.Ser1046Asn; replaces serine 1046 with asparagine.
Molecular consequence: missense variant.
Genome position (GRCh38, 1-based): chr3:169,092,985, C>T on the plus strand (G>A on the coding strand, the complement: MECOM is on the minus strand). VCF-style: chr3-169092985-C-T. GRCh37 (hg19) VCF-style: chr3-168810773-C-T.
Other names: c.2768G>A, p.Ser923Asn (NM_001105077.4); c.2573G>A, p.Ser858Asn (NM_001105078.4, NM_001205194.2, NM_001366469.2 and 1 more transcripts); c.2549G>A, p.Ser850Asn (NM_001163999.2, NM_001366470.2); c.2546G>A, p.Ser849Asn (NM_001164000.2, NM_001366471.2, NM_001366472.2); c.3110G>A, p.Ser1037Asn (NM_001366466.2); c.2576G>A, p.Ser859Asn (NM_001366467.2, NM_001366468.2); c.2138G>A, p.Ser713Asn (NM_001366473.2); c.1574G>A, p.Ser525Asn (NM_001366474.2); short protein forms S850N, S923N, S1037N, S525N, S849N, S858N, S859N, S1046N.
Identifiers: ClinVar variation 4053163 (VCV004053163.2).